The following is an entry in ClinVar:

ClinVar aggregate classification (germline): Uncertain significance (1 of 4 stars; one submission).

Conditions:
Cardiovascular phenotype. Identifiers: MedGen CN230736.

gnomAD v4.1: 11 of 1,613,996 alleles (0.00068%); highest among the groups gnomAD compares: Non-Finnish European, 0.00093%; no homozygotes.

Submission:

Ambry Genetics
Classification: Uncertain significance for Cardiovascular phenotype. Last evaluated: 2026-08-22. Review status: criteria provided, single submitter. Criteria: Ambry Variant Classification Scheme 2023. Collection method: clinical testing. Allele origin: germline.
Comment: The p.S3428L variant (also known as c.10283C>T), located in coding exon 38 of the ANK2 gene, results from a C to T substitution at nucleotide position 10283. The serine at codon 3428 is replaced by leucine, an amino acid with dissimilar properties. This amino acid position is conserved. In addition, the in silico prediction for this alteration is inconclusive. Based on the available evidence, the clinical significance of this variant remains unclear.

NM_001148.6(ANK2):c.10283C>T (p.Ser3428Leu)

Gene: ANK2 (ankyrin 2; plus strand). Cytogenetic location: 4q26.
Variant type: single nucleotide variant.
Coding change: c.10283C>T on transcript NM_001148.6 (MANE Select); coding-DNA position 10283, C replaced by T.
Protein change: p.Ser3428Leu; replaces serine 3428 with leucine.
Molecular consequence: missense variant. On other transcripts: intron variant (68).
Genome position (GRCh38, 1-based): chr4:113,358,901, C>T. VCF-style: chr4-113358901-C-T. GRCh37 (hg19) VCF-style: chr4-114280057-C-T.
Other names: c.10049C>T, p.Ser3350Leu (NM_001386142.1); c.6683C>T, p.Ser2228Leu (NM_001386166.1); c.10424C>T, p.Ser3475Leu (NM_001386174.1); c.10400C>T, p.Ser3467Leu (NM_001386175.1); c.4412-1922C>T (NM_001386186.2, NM_001386148.2); c.4214-1922C>T (NM_001354269.3); c.4292-1922C>T (NM_001386187.2); c.4253-1922C>T (NM_001386147.1); and 35 more; short protein forms S3428L, S3467L, S3475L, S2228L, S3350L.
Identifiers: ClinVar variation 5022118 (VCV005022118.1).